The following is an entry in ClinVar:

NM_001845.6(COL4A1):c.904-9C>T

Gene: COL4A1 (collagen type IV alpha 1 chain; minus strand). Cytogenetic location: 13q34.
Variant type: single nucleotide variant.
Coding change: c.904-9C>T on transcript NM_001845.6 (MANE Select); 9 bases into the intron before coding-DNA position 904, C replaced by T.
Molecular consequence: intron variant.
Genome position (GRCh38, 1-based): chr13:110,205,415, G>A on the plus strand (C>T on the coding strand, the complement: COL4A1 is on the minus strand). VCF-style: chr13-110205415-G-A. GRCh37 (hg19) VCF-style: chr13-110857762-G-A.
Other names: p.?; c.904-9C>T (NM_001303110.2).
Identifiers: ClinVar variation 311069 (VCV000311069.30), dbSNP rs201481886, ClinGen allele CA7048223.

ClinVar aggregate classification (germline): Benign/Likely benign. Review status: criteria provided, multiple submitters, no conflicts (2 of 4 stars). 10 submissions from 9 submitters: Benign (4); Likely benign (3). 3 of the submissions do not count toward it. Last evaluated 2026-02-03.

Conditions:
Brain small vessel disease 1 with or without ocular anomalies (BSVD1). Also called: PORENCEPHALY, TYPE 1, AUTOSOMAL DOMINANT; Brain small vessel disease with or without ocular anomalies; GOULD SYNDROME 1; BRAIN SMALL VESSEL DISEASE WITH HEMORRHAGE. Identifiers: Orphanet 2940, Orphanet 36383, Orphanet 99810, MedGen C4755307, MONDO:0008289, OMIM 175780.
Autosomal dominant familial hematuria-retinal arteriolar tortuosity-contractures syndrome. Also called: Hereditary Angiopathy with Nephropathy, Aneurysms, and Muscle Cramps (HANAC) Syndrome; Angiopathy, hereditary, with nephropathy, aneurysms, and muscle cramps. Identifiers: Orphanet 73229, MedGen C2673195, MONDO:0012726, OMIM 611773.

Allele frequency attached by ClinVar (database versions not stated): ESP Exome Variant Server 0.00085; TOPMed 0.00092; gnomAD 0.00116 and 0.00121; 1000 Genomes Project 30x 0.00125; ExAC 0.00154; gnomAD exomes 0.00154 and 0.00155; 1000 Genomes Project 0.00160.
gnomAD v4.1: 2,456 of 1,614,122 alleles (0.15%); highest among the groups gnomAD compares: East Asian, 0.51%; 6 homozygotes.

Submissions (10):

Labcorp Genetics (formerly Invitae), Labcorp
Classification: Benign. Last evaluated: 2026-02-03. Review status: criteria provided, single submitter. Criteria: Invitae Variant Classification Sherloc (09022015). Collection method: clinical testing. Allele origin: germline.

Mayo Clinic Laboratories, Mayo Clinic
Classification: Likely benign. Last evaluated: 2025-06-18. Review status: criteria provided, single submitter. Criteria: ACMG Guidelines, 2015. Collection method: clinical testing. Allele origin: germline. Observed: 1 variant allele.
Comment: BS1, BP4, BP7

Blueprint Genetics
Classification: Likely benign. Last evaluated: 2024-11-26. Review status: criteria provided, single submitter. Criteria: ACMG Guidelines, 2015. Collection method: clinical testing. Allele origin: germline.

GeneDx
Classification: Likely benign. Last evaluated: 2021-04-30. Review status: criteria provided, single submitter. Criteria: GeneDx Variant Classification Process June 2021. Collection method: clinical testing. Allele origin: germline. Affected: yes.

Centre for Mendelian Genomics, University Medical Centre Ljubljana
Classification: Benign for Brain small vessel disease 1 with or without ocular anomalies. Last evaluated: 2018-11-08. Review status: criteria provided, single submitter. Criteria: ACMG Guidelines, 2015. Collection method: clinical testing. Allele origin: unknown. Affected: yes.
Comment: This variant was classified as: Benign. The following ACMG criteria were applied in classifying this variant: BS1,BS2.

Illumina Laboratory Services, Illumina
Classification: Benign for Brain small vessel disease 1 with or without ocular anomalies. Last evaluated: 2018-01-12. Review status: criteria provided, single submitter. Criteria: ICSL Variant Classification Criteria 13 December 2019. Collection method: clinical testing. Allele origin: germline.
Comment: This variant was observed in the ICSL laboratory as part of a predisposition screen in an ostensibly healthy population. It had not been previously curated by ICSL or reported in the Human Gene Mutation Database (HGMD: prior to June 1st, 2018), and was therefore a candidate for classification through an automated scoring system. Utilizing variant allele frequency, disease prevalence and penetrance estimates, and inheritance mode, an automated score was calculated to assess if this variant is too frequent to cause the disease. Based on the score and internal cut-off values, a variant classified as benign is not then subjected to further curation. The score for this variant resulted in a classification of benign for this disease.

Illumina Laboratory Services, Illumina
Classification: Benign for Autosomal dominant familial hematuria-retinal arteriolar tortuosity-contractures syndrome. Last evaluated: 2018-01-12. Review status: criteria provided, single submitter. Criteria: ICSL Variant Classification Criteria 13 December 2019. Collection method: clinical testing. Allele origin: germline.
Comment: the same text as in the submission from Illumina Laboratory Services, Illumina above.

Clinical Genetics DNA and cytogenetics Diagnostics Lab, Erasmus MC, Erasmus Medical Center
Classification: Likely benign. Review status: no assertion criteria provided. Collection method: clinical testing. Allele origin: germline. Affected: yes. Study: VKGL Data-share Consensus. Not counted in ClinVar's aggregate classification.

Diagnostic Laboratory, Department of Genetics, University Medical Center Groningen
Classification: Likely benign. Review status: no assertion criteria provided. Collection method: clinical testing. Allele origin: germline. Affected: yes. Study: VKGL Data-share Consensus. Not counted in ClinVar's aggregate classification.

Laboratory of Diagnostic Genome Analysis, Leiden University Medical Center (LUMC)
Classification: Likely benign. Review status: no assertion criteria provided. Collection method: clinical testing. Allele origin: germline. Affected: yes. Study: VKGL Data-share Consensus. Not counted in ClinVar's aggregate classification.